The following is an entry in ClinVar:

NM_213720.3(CHCHD10):c.267C>T (p.Pro89=)

Gene: CHCHD10 (coiled-coil-helix-coiled-coil-helix domain containing 10; minus strand). Cytogenetic location: 22q11.23.
Variant type: single nucleotide variant.
Coding change: c.267C>T on transcript NM_213720.3 (MANE Select); coding-DNA position 267, C replaced by T.
Protein change: p.Pro89=; no amino-acid change (proline 89 retained).
Molecular consequence: synonymous variant. On other transcripts: non-coding transcript variant (2).
Genome position (GRCh38, 1-based): chr22:23,766,270, G>A on the plus strand (C>T on the coding strand, the complement: CHCHD10 is on the minus strand). VCF-style: chr22-23766270-G-A. GRCh37 (hg19) VCF-style: chr22-24108457-G-A.
Other names: c.267C>T (NM_213720.2); c.288C>T, p.Pro96= (NM_001301339.2).
Identifiers: ClinVar variation 2421043 (VCV002421043.9), dbSNP rs1926804314, ClinGen allele CA410915253.

ClinVar aggregate classification (germline): Likely benign. Review status: criteria provided, single submitter (1 of 4 stars). 2 submissions from 2 submitters: Likely benign (1). 1 of the submissions does not count toward it. Last evaluated 2024-05-15.

Conditions:
Lower motor neuron syndrome with late-adult onset (SMAJ). Also called: Spinal muscular atrophy, Jokela type; Late-Onset Spinal Motor Neuronopathy (SMAJ). Identifiers: Orphanet 276435, MedGen C3554398, MONDO:0014025, OMIM 615048.
Frontotemporal dementia and/or amyotrophic lateral sclerosis 2. Also called: FTDALS2. Identifiers: Orphanet 275872, MedGen C4014648, MONDO:0014395, OMIM 615911.
Autosomal dominant mitochondrial myopathy with exercise intolerance (IMMD). Also called: Myopathy, isolated mitochondrial, autosomal dominant. Identifiers: Orphanet 457050, MedGen C4015513, MONDO:0014532, OMIM 616209.
CHCHD10-related disorder. Also called: CHCHD10-related condition; CHCHD10-Related Disorders. Identifiers: MedGen CN381526.

Allele frequency attached by ClinVar (database versions not stated): gnomAD exomes below 0.00001.

Submissions (2):

Labcorp Genetics (formerly Invitae), Labcorp
Classification: Likely benign for Lower motor neuron syndrome with late-adult onset; Frontotemporal dementia and/or amyotrophic lateral sclerosis 2; Autosomal dominant mitochondrial myopathy with exercise intolerance. Last evaluated: 2024-05-15. Review status: criteria provided, single submitter. Criteria: Invitae Variant Classification Sherloc (09022015). Collection method: clinical testing. Allele origin: germline.

PreventionGenetics, part of Exact Sciences
Classification: Likely benign for CHCHD10-related condition. Last evaluated: 2020-12-14. Review status: no assertion criteria provided. Collection method: clinical testing. Allele origin: germline. Not counted in ClinVar's aggregate classification.
Comment: This variant is classified as likely benign based on ACMG/AMP sequence variant interpretation guidelines (Richards et al. 2015 PMID: 25741868, with internal and published modifications).